The following is an entry in ClinVar:

NM_000090.4(COL3A1):c.1590T>C (p.Pro530=)

Gene: COL3A1 (collagen type III alpha 1 chain; plus strand). Cytogenetic location: 2q32.2.
Variant type: single nucleotide variant.
Coding change: c.1590T>C on transcript NM_000090.4 (MANE Select); coding-DNA position 1590, T replaced by C.
Protein change: p.Pro530=; no amino-acid change (proline 530 retained).
Molecular consequence: synonymous variant.
Genome position (GRCh38, 1-based): chr2:188,995,772, T>C. VCF-style: chr2-188995772-T-C. GRCh37 (hg19) VCF-style: chr2-189860498-T-C.
Identifiers: ClinVar variation 922998 (VCV000922998.16), dbSNP rs1688293277, ClinGen allele CA430309746.

ClinVar aggregate classification (germline): Likely benign. Review status: criteria provided, multiple submitters, no conflicts (2 of 4 stars). 4 submissions from 4 submitters: Likely benign (4). Last evaluated 2026-03-27.

Conditions:
Ehlers-Danlos syndrome, type 4 (EDSVASC). Also called: Ehlers-Danlos Syndrome Type IV; Ehlers-Danlos syndrome vascular type; Ehlers Danlos syndrome, ecchymotic type; Ehlers Danlos syndrome, arterial type; Ehlers Danlos syndrome, Sack-Barabas type. Identifiers: Orphanet 286, MedGen C0268338, MONDO:0017314, OMIM 130050.
Familial thoracic aortic aneurysm and aortic dissection (TAAD). Also called: Thoracic aortic aneurysms and dissections. Identifiers: Orphanet 91387, MedGen C4707243, MONDO:0019625.

Allele frequency attached by ClinVar (database versions not stated): TOPMed below 0.00001.
gnomAD v4.1: 2 of 1,562,596 alleles (0.00013%); highest among the groups gnomAD compares: Non-Finnish European, 0.00017%; no homozygotes.

Submissions (4):

Molecular Diagnostic Laboratory for Inherited Cardiovascular Disease, Montreal Heart Institute
Classification: Likely benign. Last evaluated: 2026-03-27. Review status: criteria provided, single submitter. Criteria: ACMG Guidelines, 2015. Collection method: clinical testing. Allele origin: germline. Affected: no.

CeGaT Center for Human Genetics Tuebingen
Classification: Likely benign. Last evaluated: 2025-02-01. Review status: criteria provided, single submitter. Criteria: CeGaT Center For Human Genetics Tuebingen Variant Classification Criteria Version 2. Collection method: clinical testing. Allele origin: germline. Affected: yes. Observed: 1 variant allele.
Comment: COL3A1: BP4, BP7

All of Us Research Program, National Institutes of Health
Classification: Likely benign for Ehlers-Danlos syndrome, type 4. Last evaluated: 2023-05-31. Review status: criteria provided, single submitter. Criteria: ACMG Guidelines, 2015. Collection method: clinical testing. Allele origin: germline. Inheritance: Autosomal dominant inheritance. Observed: 1 variant allele, 1 heterozygote.
Comment: This study involves interpretation of variants in research participants for the purpose of population health screening. Participant phenotype was not available at the time of variant classification. Additional details can be found in publication PMID: 35346344, PMCID: PMC8962531

Color Diagnostics, LLC DBA Color Health
Classification: Likely benign for Familial thoracic aortic aneurysm and aortic dissection. Last evaluated: 2019-07-26. Review status: criteria provided, single submitter. Criteria: ACMG Guidelines, 2015. Collection method: clinical testing. Allele origin: germline.